The following is an entry in ClinVar:

ClinVar aggregate classification (germline): Uncertain significance (1 of 4 stars; one submission).

Conditions:
Ehlers-Danlos syndrome, musculocontractural type 2 (EDSMC2). Identifiers: Orphanet 2953, MedGen C3809845, MONDO:0014236, OMIM 615539.

Allele frequency attached by ClinVar (database versions not stated): gnomAD exomes below 0.00001; TOPMed below 0.00001; gnomAD 0.00001.
gnomAD v4.1: 3 of 1,613,964 alleles (0.00019%); highest among the groups gnomAD compares: Non-Finnish European, 0.00025%; no homozygotes.

Submission:

Labcorp Genetics (formerly Invitae), Labcorp
Classification: Uncertain significance for Ehlers-Danlos syndrome, musculocontractural type 2. Last evaluated: 2021-12-06. Review status: criteria provided, single submitter. Criteria: Invitae Variant Classification Sherloc (09022015). Collection method: clinical testing. Allele origin: germline.
Comment: This variant has not been reported in the literature in individuals affected with DSE-related conditions. This sequence change creates a premature translational stop signal (p.Gln801*) in the DSE gene. While this is not anticipated to result in nonsense mediated decay, it is expected to disrupt the last 158 amino acid(s) of the DSE protein. This variant is not present in population databases (gnomAD no frequency). Experimental studies and prediction algorithms are not available or were not evaluated, and the functional significance of this variant is currently unknown. In summary, the available evidence is currently insufficient to determine the role of this variant in disease. Therefore, it has been classified as a Variant of Uncertain Significance.

NM_013352.4(DSE):c.2401C>T (p.Gln801Ter)

Gene: DSE (dermatan sulfate epimerase; plus strand). Cytogenetic location: 6q22.1.
Variant type: single nucleotide variant.
Coding change: c.2401C>T on transcript NM_013352.4 (MANE Select); coding-DNA position 2401, C replaced by T.
Protein change: p.Gln801Ter; replaces glutamine 801 with a stop codon.
Molecular consequence: nonsense. On other transcripts: 3 prime UTR variant (2), non-coding transcript variant (1).
Genome position (GRCh38, 1-based): chr6:116,436,869, C>T. VCF-style: chr6-116436869-C-T. GRCh37 (hg19) VCF-style: chr6-116758032-C-T.
Other names: c.2401C>T, p.Gln801Ter (NM_001080976.3, NM_001322937.2, NM_001322938.2); c.2458C>T, p.Gln820Ter (NM_001322939.2); c.1840C>T, p.Gln614Ter (NM_001322940.2, NM_001322941.2); c.*1266C>T (NM_001322943.2, NM_001322944.2); c.1402C>T, p.Gln468Ter (NM_001374520.1); c.1366C>T, p.Gln456Ter (NM_001374521.1); short protein forms Q456*, Q468*, Q820*, Q801*, Q614*.
Identifiers: ClinVar variation 2035611 (VCV002035611.4), dbSNP rs1784193647, ClinGen allele CA365407725.
Genomic context (GRCh38, chr6:116,436,869, plus strand): 5'-TCAGATAAGAGACAGACTGAGGAGGCCATTGACAGGATTTTTGCCATATCACAGCAACAG[C>T]AGCAGCAAAGCAAGTCAAAGAAAAACCGAAGGGCAGGCAAACGCTATAAATTTGTGGATG-3'